The following is an entry in ClinVar:

NM_139027.6(ADAMTS13):c.850G>T (p.Asp284Tyr)

Gene: ADAMTS13 (ADAM metallopeptidase with thrombospondin type 1 motif 13; plus strand). Cytogenetic location: 9q34.2.
Variant type: single nucleotide variant.
Coding change: c.850G>T on transcript NM_139027.6 (MANE Select); coding-DNA position 850, G replaced by T.
Protein change: p.Asp284Tyr; replaces aspartic acid 284 with tyrosine.
Molecular consequence: missense variant. On other transcripts: intron variant (1).
Genome position (GRCh38, 1-based): chr9:133,429,964, G>T. VCF-style: chr9-133429964-G-T. GRCh37 (hg19) VCF-style: chr9-136295084-G-T.
Other names: c.850G>T (NM_139025.3); c.850G>T, p.Asp284Tyr (NM_139025.5); c.825-68G>T (NM_139026.6); short protein forms D284Y.
Identifiers: ClinVar variation 3768772 (VCV003768772.3).

ClinVar aggregate classification (germline): Uncertain significance. Review status: criteria provided, multiple submitters, no conflicts (2 of 4 stars). 3 submissions from 3 submitters: Uncertain significance (3). Last evaluated 2025-09-24.

Conditions:
Inborn genetic diseases. Identifiers: MedGen C0950123, MeSH D030342.

gnomAD v4.1: 40 of 1,539,630 alleles (0.0026%); highest among the groups gnomAD compares: Non-Finnish European, 0.0031%; no homozygotes.

Submissions (3):

Labcorp Genetics (formerly Invitae), Labcorp
Classification: Uncertain significance. Last evaluated: 2025-09-24. Review status: criteria provided, single submitter. Criteria: Invitae Variant Classification Sherloc (09022015). Collection method: clinical testing. Allele origin: germline.
Comment: This sequence change replaces aspartic acid, which is acidic and polar, with tyrosine, which is neutral and polar, at codon 284 of the ADAMTS13 protein (p.Asp284Tyr). This variant is present in population databases (no rsID available, gnomAD 0.002%). This variant has not been reported in the literature in individuals affected with ADAMTS13-related conditions. ClinVar contains an entry for this variant (Variation ID: 3768772). Invitae Evidence Modeling of protein sequence and biophysical properties (such as structural, functional, and spatial information, amino acid conservation, physicochemical variation, residue mobility, and thermodynamic stability) indicates that this missense variant is expected to disrupt ADAMTS13 protein function with a positive predictive value of 80%. In summary, the available evidence is currently insufficient to determine the role of this variant in disease. Therefore, it has been classified as a Variant of Uncertain Significance.

Ambry Genetics
Classification: Uncertain significance for Inborn genetic diseases. Last evaluated: 2025-04-12. Review status: criteria provided, single submitter. Criteria: Ambry Variant Classification Scheme 2023. Collection method: clinical testing. Allele origin: germline.

Women's Health and Genetics/Laboratory Corporation of America, LabCorp
Classification: Uncertain significance. Last evaluated: 2025-02-04. Review status: criteria provided, single submitter. Criteria: LabCorp Variant Classification Summary - May 2015. Collection method: clinical testing. Allele origin: germline.
Comment: Variant summary: ADAMTS13 c.850G>T (p.Asp284Tyr) results in a non-conservative amino acid change located in the ADAM type metalloprotease domain (ADAM type metalloprotease domain) of the encoded protein sequence. Five of five in-silico tools predict a damaging effect of the variant on protein function. The variant allele was found at a frequency of 1.4e-05 in 144472 control chromosomes. The available data on variant occurrences in the general population are insufficient to allow any conclusion about variant significance. To our knowledge, no occurrence of c.850G>T in individuals affected with Thrombotic Thrombocytopenic Purpura and no experimental evidence demonstrating its impact on protein function have been reported. No submitters have cited clinical-significance assessments for this variant to ClinVar. Based on the evidence outlined above, the variant was classified as uncertain significance.